The following is an entry in ClinVar:

ClinVar aggregate classification (germline): Uncertain significance. Review status: criteria provided, multiple submitters, no conflicts (2 of 4 stars). 2 submissions from 2 submitters: Uncertain significance (2). Last evaluated 2024-09-06.

Conditions:
Deficiency of malonyl-CoA decarboxylase. Also called: Malonic aciduria; MCD deficiency. Identifiers: Orphanet 943, MedGen C0342793, MONDO:0009556, OMIM 248360.

Allele frequency attached by ClinVar (database versions not stated): gnomAD exomes below 0.00001; gnomAD 0.00001; TOPMed 0.00002.
gnomAD v4.1: 3 of 1,614,090 alleles (0.00019%); highest among the groups gnomAD compares: Admixed American, 0.0017%; no homozygotes.

Submissions (2):

Women's Health and Genetics/Laboratory Corporation of America, LabCorp
Classification: Uncertain significance. Last evaluated: 2024-09-06. Review status: criteria provided, single submitter. Criteria: LabCorp Variant Classification Summary - May 2015. Collection method: clinical testing. Allele origin: germline.
Comment: Variant summary: MLYCD c.869C>T (p.Ser290Phe) results in a non-conservative amino acid change located in the Malonyl-CoA decarboxylase, C-terminal domain (IPR007956) of the encoded protein sequence. Five of five in-silico tools predict a damaging effect of the variant on protein function. The variant was absent in 249556 control chromosomes. The available data on variant occurrences in the general population are insufficient to allow any conclusion about variant significance. c.869C>T has been reported in the literature in at-least one individual affected with malonic aciduria (Celato_2013). These data do not allow any conclusion about variant significance. At least one publication reports experimental evidence evaluating an impact on protein function. The most pronounced variant effect results in about half of normal activity in vitro (Froese_2023). The following publications have been ascertained in the context of this evaluation (PMID: 23177061, 23791943). ClinVar contains an entry for this variant (Variation ID: 2137850). Based on the evidence outlined above, the variant was classified as uncertain significance.

Labcorp Genetics (formerly Invitae), Labcorp
Classification: Uncertain significance for Deficiency of malonyl-CoA decarboxylase. Last evaluated: 2022-08-06. Review status: criteria provided, single submitter. Criteria: Invitae Variant Classification Sherloc (09022015). Collection method: clinical testing. Allele origin: germline.
Comment: This sequence change replaces serine, which is neutral and polar, with phenylalanine, which is neutral and non-polar, at codon 290 of the MLYCD protein (p.Ser290Phe). This variant is not present in population databases (gnomAD no frequency). This missense change has been observed in individual(s) with malonyl-CoA decarboxylase deficiency (PMID: 23177061). Advanced modeling of protein sequence and biophysical properties (such as structural, functional, and spatial information, amino acid conservation, physicochemical variation, residue mobility, and thermodynamic stability) performed at Invitae indicates that this missense variant is expected to disrupt MLYCD protein function. In summary, the available evidence is currently insufficient to determine the role of this variant in disease. Therefore, it has been classified as a Variant of Uncertain Significance.

Literature cited by the submitters: PubMed 23177061 (cited by Women's Health and Genetics/Laboratory Corporation of America, LabCorp and Labcorp Genetics (formerly Invitae), Labcorp); PubMed 23791943 (cited by Women's Health and Genetics/Laboratory Corporation of America, LabCorp).

NM_012213.3(MLYCD):c.869C>T (p.Ser290Phe)

Genes: MLYCD (malonyl-CoA decarboxylase; plus strand), LOC126862422 (CDK7 strongly-dependent group 2 enhancer GRCh37_chr16:83945234-83946433; plus strand). Cytogenetic location: 16q23.3.
Variant type: single nucleotide variant.
Coding change: c.869C>T on transcript NM_012213.3 (MANE Select); coding-DNA position 869, C replaced by T.
Protein change: p.Ser290Phe; replaces serine 290 with phenylalanine.
Molecular consequence: missense variant.
Genome position (GRCh38, 1-based): chr16:83,912,288, C>T. VCF-style: chr16-83912288-C-T. GRCh37 (hg19) VCF-style: chr16-83945893-C-T.
Other names: short protein forms S290F.
Identifiers: ClinVar variation 2137850 (VCV002137850.2), dbSNP rs997003558, ClinGen allele CA285428956.